The following is an entry in ClinVar:

ClinVar aggregate classification (germline): Likely benign. Review status: criteria provided, multiple submitters, no conflicts (2 of 4 stars). 2 submissions from 2 submitters: Likely benign (2). Last evaluated 2025-05-13.

Conditions:
Charcot-Marie-Tooth disease dominant intermediate B (CMTDIB). Also called: CHARCOT-MARIE-TOOTH NEUROPATHY, DOMINANT INTERMEDIATE B; Charcot-Marie-Tooth disease dominant intermediate 1; CMT DI1; Charcot-Marie-Tooth disease dominant intermediate I. Identifiers: Orphanet 100044, Orphanet 228179, MedGen C1847902, MONDO:0011674, OMIM 606482.

Allele frequency attached by ClinVar (database versions not stated): gnomAD 0.00001; TOPMed 0.00002; gnomAD exomes 0.00003; ExAC 0.00006.
gnomAD v4.1: 32 of 1,609,186 alleles (0.002%); highest among the groups gnomAD compares: Middle Eastern, 0.049%; no homozygotes.

Submissions (2):

Labcorp Genetics (formerly Invitae), Labcorp
Classification: Likely benign for Charcot-Marie-Tooth disease dominant intermediate B. Last evaluated: 2025-05-13. Review status: criteria provided, single submitter. Criteria: Invitae Variant Classification Sherloc (09022015). Collection method: clinical testing. Allele origin: germline.

GeneDx
Classification: Likely benign. Last evaluated: 2017-01-26. Review status: criteria provided, single submitter. Criteria: GeneDx Variant Classification (06012015). Collection method: clinical testing. Allele origin: germline. Affected: yes.
Comment: This variant is considered likely benign or benign based on one or more of the following criteria: it is a conservative change, it occurs at a poorly conserved position in the protein, it is predicted to be benign by multiple in silico algorithms, and/or has population frequency not consistent with disease.

NM_001005361.3(DNM2):c.2544-19G>A

Gene: DNM2 (dynamin 2; plus strand). Cytogenetic location: 19p13.2.
Variant type: single nucleotide variant.
Coding change: c.2544-19G>A on transcript NM_001005361.3 (MANE Select); 19 bases into the intron before coding-DNA position 2544, G replaced by A.
Molecular consequence: intron variant.
Genome position (GRCh38, 1-based): chr19:10,830,959, G>A. VCF-style: chr19-10830959-G-A. GRCh37 (hg19) VCF-style: chr19-10941635-G-A.
Other names: c.2544-19G>A (NM_001005360.3); c.2544-22G>A (NM_001190716.2); c.2532-19G>A (NM_004945.4, NM_001005362.3).
Identifiers: ClinVar variation 380667 (VCV000380667.8), dbSNP rs769617279, ClinGen allele CA9201656.
Genomic context (GRCh38, chr19:10,830,959, plus strand): 5'-GTCCTCAACCCAGGCCTGCCTCTTGCTCCCGGCCTCACTGCCGTCTCCCCCTCCCCACCT[G>A]TCTTTATTCTCTTTGCAGCAGAAGACCCCCTGCTGCGCCCAGCCGGCCCACCATTATCCG-3'